The following is an entry in ClinVar:

ClinVar aggregate classification (germline): Uncertain significance (1 of 4 stars; one submission).

Conditions:
Pancreatic adenocarcinoma. Identifiers: MedGen C0281361, MONDO:0006047, HP:0006725.

Submission:

Labcorp Genetics (formerly Invitae), Labcorp
Classification: Uncertain significance for Pancreatic adenocarcinoma. Last evaluated: 2023-04-11. Review status: criteria provided, single submitter. Criteria: Invitae Variant Classification Sherloc (09022015). Collection method: clinical testing. Allele origin: germline.
Comment: In summary, the available evidence is currently insufficient to determine the role of this variant in disease. Therefore, it has been classified as a Variant of Uncertain Significance. An algorithm developed to predict the effect of missense changes on protein structure and function (PolyPhen-2) suggests that this variant is likely to be tolerated. This variant has not been reported in the literature in individuals affected with PALLD-related conditions. This variant is not present in population databases (gnomAD no frequency). This sequence change replaces glycine, which is neutral and non-polar, with arginine, which is basic and polar, at codon 327 of the PALLD protein (p.Gly327Arg).

NM_001166108.2(PALLD):c.2491G>A (p.Gly831Arg)

Genes: CBR4 (carbonyl reductase 4; minus strand), PALLD (palladin, cytoskeletal associated protein; plus strand). Cytogenetic location: 4q32.3.
Variant type: single nucleotide variant.
Coding change: c.2491G>A on transcript NM_001166108.2 (MANE Select); coding-DNA position 2491, G replaced by A.
Protein change: p.Gly831Arg; replaces glycine 831 with arginine.
Molecular consequence: missense variant.
Genome position (GRCh38, 1-based): chr4:168,903,775, G>A. VCF-style: chr4-168903775-G-A. GRCh37 (hg19) VCF-style: chr4-169824926-G-A.
Other names: c.1294G>A, p.Gly432Arg (NM_001166109.2); c.979G>A, p.Gly327Arg (NM_001166110.2); c.319G>A, p.Gly107Arg (NM_001367567.1, NM_001367569.1); c.370G>A, p.Gly124Arg (NM_001367568.1, NM_001367570.1); c.2440G>A, p.Gly814Arg (NM_016081.4); short protein forms G124R, G432R, G107R, G814R, G831R, G327R.
Identifiers: ClinVar variation 2855028 (VCV002855028.3), dbSNP rs2533837808, ClinGen allele CA358799272.